The following is an entry in ClinVar:

ClinVar aggregate classification (germline): Uncertain significance. Review status: criteria provided, multiple submitters, no conflicts (2 of 4 stars). 3 submissions from 3 submitters: Uncertain significance (3). Last evaluated 2025-01-23.

Conditions:
Inborn genetic diseases. Identifiers: MedGen C0950123, MeSH D030342.

Allele frequency attached by ClinVar (database versions not stated): ExAC 0.00001; gnomAD 0.00001; gnomAD exomes 0.00002 and 0.00004; TOPMed 0.00002.

Submissions (3):

Labcorp Genetics (formerly Invitae), Labcorp
Classification: Uncertain significance. Last evaluated: 2025-01-23. Review status: criteria provided, single submitter. Criteria: Invitae Variant Classification Sherloc (09022015). Collection method: clinical testing. Allele origin: germline.
Comment: This sequence change replaces alanine, which is neutral and non-polar, with valine, which is neutral and non-polar, at codon 1493 of the LRP2 protein (p.Ala1493Val). This variant is present in population databases (rs748382645, gnomAD 0.006%). This variant has not been reported in the literature in individuals affected with LRP2-related conditions. ClinVar contains an entry for this variant (Variation ID: 1363633). Invitae Evidence Modeling of protein sequence and biophysical properties (such as structural, functional, and spatial information, amino acid conservation, physicochemical variation, residue mobility, and thermodynamic stability) indicates that this missense variant is not expected to disrupt LRP2 protein function with a negative predictive value of 80%. In summary, the available evidence is currently insufficient to determine the role of this variant in disease. Therefore, it has been classified as a Variant of Uncertain Significance.

Ambry Genetics
Classification: Uncertain significance for Inborn genetic diseases. Last evaluated: 2022-12-15. Review status: criteria provided, single submitter. Criteria: Ambry Variant Classification Scheme 2023. Collection method: clinical testing. Allele origin: germline.

Blueprint Genetics
Classification: Uncertain significance. Last evaluated: 2019-04-05. Review status: criteria provided, single submitter. Criteria: ACMG Guidelines, 2015. Collection method: clinical testing. Allele origin: germline.

NM_004525.3(LRP2):c.4478C>T (p.Ala1493Val)

Gene: LRP2 (LDL receptor related protein 2; minus strand). Cytogenetic location: 2q31.1.
Variant type: single nucleotide variant.
Coding change: c.4478C>T on transcript NM_004525.3 (MANE Select); coding-DNA position 4478, C replaced by T.
Protein change: p.Ala1493Val; replaces alanine 1493 with valine.
Molecular consequence: missense variant.
Genome position (GRCh38, 1-based): chr2:169,238,119, G>A on the plus strand (C>T on the coding strand, the complement: LRP2 is on the minus strand). VCF-style: chr2-169238119-G-A. GRCh37 (hg19) VCF-style: chr2-170094629-G-A.
Other names: c.4478C>T (NM_004525.2); short protein forms A1493V.
Identifiers: ClinVar variation 1363633 (VCV001363633.9), dbSNP rs748382645, ClinGen allele CA1954799.
Genomic context (GRCh38, chr2:169,238,119, plus strand): 5'-GCCAGGCCAAAGGTCAACAGAAATGTACTTACCACTCTTCTGTCCGTTCCATTTTGAAAC[G>A]CACTCCAGGTTTTACCCTGAGTTGCATCAGACCAAAAGATACGACCACTAATTGAATCAA-3'
Protein context (NP_004516.2, residues 1483-1503): SDATQGKTWS[Ala1493Val]FQNGTDRRVV